The following is an entry in ClinVar:

NM_000632.4(ITGAM):c.2246G>C (p.Arg749Pro)

Gene: ITGAM (integrin subunit alpha M; plus strand). Cytogenetic location: 16p11.2.
Variant type: single nucleotide variant.
Coding change: c.2246G>C on transcript NM_000632.4 (MANE Select); coding-DNA position 2246, G replaced by C.
Protein change: p.Arg749Pro; replaces arginine 749 with proline.
Molecular consequence: missense variant.
Genome position (GRCh38, 1-based): chr16:31,324,739, G>C. VCF-style: chr16-31324739-G-C. GRCh37 (hg19) VCF-style: chr16-31336060-G-C.
Other names: c.2249G>C, p.Arg750Pro (NM_001145808.2); short protein forms R750P, R749P.
Identifiers: ClinVar variation 4710272 (VCV004710272.1).

ClinVar aggregate classification (germline): Uncertain significance (1 of 4 stars; one submission).

Submission:

Labcorp Genetics (formerly Invitae), Labcorp
Classification: Uncertain significance. Last evaluated: 2025-09-08. Review status: criteria provided, single submitter. Criteria: Invitae Variant Classification Sherloc (09022015). Collection method: clinical testing. Allele origin: germline.
Comment: This sequence change replaces arginine, which is basic and polar, with proline, which is neutral and non-polar, at codon 749 of the ITGAM protein (p.Arg749Pro). This variant is not present in population databases (gnomAD no frequency). This variant has not been reported in the literature in individuals affected with ITGAM-related conditions. An algorithm developed to predict the effect of missense changes on protein structure and function (PolyPhen-2) suggests that this variant is likely to be disruptive. In summary, the available evidence is currently insufficient to determine the role of this variant in disease. Therefore, it has been classified as a Variant of Uncertain Significance.